The following is an entry in ClinVar:

NM_003640.5(ELP1):c.1837G>A (p.Ala613Thr)

Gene: ELP1 (elongator acetyltransferase complex subunit 1; minus strand). Cytogenetic location: 9q31.3.
Variant type: single nucleotide variant.
Coding change: c.1837G>A on transcript NM_003640.5 (MANE Select); coding-DNA position 1837, G replaced by A.
Protein change: p.Ala613Thr; replaces alanine 613 with threonine.
Molecular consequence: missense variant.
Genome position (GRCh38, 1-based): chr9:108,902,856, C>T on the plus strand (G>A on the coding strand, the complement: ELP1 is on the minus strand). VCF-style: chr9-108902856-C-T. GRCh37 (hg19) VCF-style: chr9-111665136-C-T.
Other names: c.1495G>A, p.Ala499Thr (NM_001318360.2); c.790G>A, p.Ala264Thr (NM_001330749.2); short protein forms A264T, A499T, A613T.
Identifiers: ClinVar variation 1799817 (VCV001799817.5), dbSNP rs141324198, ClinGen allele CA5174886.

ClinVar aggregate classification (germline): Uncertain significance. Review status: criteria provided, multiple submitters, no conflicts (2 of 4 stars). 2 submissions from 2 submitters: Uncertain significance (2). Last evaluated 2024-05-20.

Allele frequency attached by ClinVar (database versions not stated): gnomAD exomes 0.00003; TOPMed 0.00004; gnomAD 0.00005; ExAC 0.00012; 1000 Genomes Project 0.00040; 1000 Genomes Project 30x 0.00047.
gnomAD v4.1: 55 of 1,613,530 alleles (0.0034%); highest among the groups gnomAD compares: East Asian, 0.11%; no homozygotes.

Submissions (2):

Ambry Genetics
Classification: Uncertain significance. Last evaluated: 2024-05-20. Review status: criteria provided, single submitter. Criteria: Ambry Variant Classification Scheme 2023. Collection method: clinical testing. Allele origin: germline.

Labcorp Genetics (formerly Invitae), Labcorp
Classification: Uncertain significance. Last evaluated: 2022-08-10. Review status: criteria provided, single submitter. Criteria: Invitae Variant Classification Sherloc (09022015). Collection method: clinical testing. Allele origin: germline.
Comment: This sequence change replaces alanine, which is neutral and non-polar, with threonine, which is neutral and polar, at codon 613 of the ELP1 protein (p.Ala613Thr). This variant is present in population databases (rs141324198, gnomAD 0.1%). This variant has not been reported in the literature in individuals affected with ELP1-related conditions. Algorithms developed to predict the effect of missense changes on protein structure and function (SIFT, PolyPhen-2, Align-GVGD) all suggest that this variant is likely to be tolerated. In summary, the available evidence is currently insufficient to determine the role of this variant in disease. Therefore, it has been classified as a Variant of Uncertain Significance.